The following is an entry in ClinVar:

NM_004560.4(ROR2):c.1811A>G (p.Glu604Gly)

Gene: ROR2 (receptor tyrosine kinase like orphan receptor 2; minus strand). Cytogenetic location: 9q22.31.
Variant type: single nucleotide variant.
Coding change: c.1811A>G on transcript NM_004560.4 (MANE Select); coding-DNA position 1811, A replaced by G.
Protein change: p.Glu604Gly; replaces glutamic acid 604 with glycine.
Molecular consequence: missense variant.
Genome position (GRCh38, 1-based): chr9:91,724,683, T>C on the plus strand (A>G on the coding strand, the complement: ROR2 is on the minus strand). VCF-style: chr9-91724683-T-C. GRCh37 (hg19) VCF-style: chr9-94486965-T-C.
Other names: short protein forms E604G.
Identifiers: ClinVar variation 2116569 (VCV002116569.4), dbSNP rs1164229914, ClinGen allele CA373797409.

ClinVar aggregate classification (germline): Uncertain significance (1 of 4 stars; one submission).

Allele frequency attached by ClinVar (database versions not stated): gnomAD exomes below 0.00001; gnomAD 0.00001; TOPMed 0.00002.
gnomAD v4.1: 3 of 1,614,040 alleles (0.00019%); highest among the groups gnomAD compares: African/African-American, 0.004%; no homozygotes.

Submission:

Labcorp Genetics (formerly Invitae), Labcorp
Classification: Uncertain significance. Last evaluated: 2022-11-22. Review status: criteria provided, single submitter. Criteria: Invitae Variant Classification Sherloc (09022015). Collection method: clinical testing. Allele origin: germline.
Comment: In summary, the available evidence is currently insufficient to determine the role of this variant in disease. Therefore, it has been classified as a Variant of Uncertain Significance. Advanced modeling of protein sequence and biophysical properties (such as structural, functional, and spatial information, amino acid conservation, physicochemical variation, residue mobility, and thermodynamic stability) performed at Invitae indicates that this missense variant is expected to disrupt ROR2 protein function. This variant has not been reported in the literature in individuals affected with ROR2-related conditions. This variant is not present in population databases (gnomAD no frequency). This sequence change replaces glutamic acid, which is acidic and polar, with glycine, which is neutral and non-polar, at codon 604 of the ROR2 protein (p.Glu604Gly).